The following is an entry in ClinVar:

ClinVar aggregate classification (germline): Benign/Likely benign. Review status: criteria provided, multiple submitters, no conflicts (2 of 4 stars). 3 submissions from 3 submitters: Benign (1); Likely benign (2). Last evaluated 2025-10-02.

Conditions:
Developmental and epileptic encephalopathy, 14 (DEE14). Also called: Early infantile epileptic encephalopathy 14. Identifiers: Orphanet 293181, MedGen C3554195, MONDO:0013989, OMIM 614959.
Autosomal dominant nocturnal frontal lobe epilepsy 5. Also called: KCNT1-Related Epilepsy; CILIARY DYSKINESIA, PRIMARY, 28, WITHOUT SITUS INVERSUS; CILIARY DYSKINESIA, PRIMARY, 28, WITH SITUS INVERSUS; Epilepsy, nocturnal frontal lobe, 5. Identifiers: Orphanet 98784, MedGen C3554306, MONDO:0014002, OMIM 615005.

Allele frequency attached by ClinVar (database versions not stated): TOPMed 0.00007; gnomAD 0.00010 and 0.00013; ESP Exome Variant Server 0.00015; gnomAD exomes 0.00016; ExAC 0.00022; 1000 Genomes Project 30x 0.00047; 1000 Genomes Project 0.00060.
gnomAD v4.1: 121 of 1,008,400 alleles (0.012%); highest among the groups gnomAD compares: South Asian, 0.094%; 2 homozygotes.

Submissions (3):

Labcorp Genetics (formerly Invitae), Labcorp
Classification: Benign for Autosomal dominant nocturnal frontal lobe epilepsy 5; Developmental and epileptic encephalopathy, 14. Last evaluated: 2025-10-02. Review status: criteria provided, single submitter. Criteria: Invitae Variant Classification Sherloc (09022015). Collection method: clinical testing. Allele origin: germline.

Blueprint Genetics
Classification: Likely benign. Last evaluated: 2024-03-06. Review status: criteria provided, single submitter. Criteria: ACMG Guidelines, 2015. Collection method: clinical testing. Allele origin: germline.

GeneDx
Classification: Likely benign. Last evaluated: 2016-03-29. Review status: criteria provided, single submitter. Criteria: GeneDx Variant Classification (06012015). Collection method: clinical testing. Allele origin: germline. Affected: yes.
Comment: This variant is considered likely benign or benign based on one or more of the following criteria: it is a conservative change, it occurs at a poorly conserved position in the protein, it is predicted to be benign by multiple in silico algorithms, and/or has population frequency not consistent with disease.

NM_020822.3(KCNT1):c.1337+16C>T

Gene: KCNT1 (potassium sodium-activated channel subfamily T member 1; plus strand). Cytogenetic location: 9q34.3.
Variant type: single nucleotide variant.
Coding change: c.1337+16C>T on transcript NM_020822.3 (MANE Select); 16 bases into the intron after coding-DNA position 1337, C replaced by T.
Molecular consequence: intron variant.
Genome position (GRCh38, 1-based): chr9:135,765,776, C>T. VCF-style: chr9-135765776-C-T. GRCh37 (hg19) VCF-style: chr9-138657622-C-T.
Other names: c.1202+16C>T (NM_001272003.2).
Identifiers: ClinVar variation 384859 (VCV000384859.7), dbSNP rs369329858, ClinGen allele CA5326853.
Genomic context (GRCh38, chr9:135,765,776, plus strand): 5'-CCTCCAGGGCTCTGCACTCAAAGACCAGGACCTCATGCGAGCCAAGTGAGTGCTGGTGGG[C>T]GGAGGGGGTGGCATGGGGGCACCTTCCTGAGTCAGGTCGGCTGCTCAGGGCTGAGGCATT-3'